The following is an entry in ClinVar:

NM_000486.6(AQP2):c.131T>C (p.Ile44Thr)

Gene: AQP2 (aquaporin 2; plus strand). Cytogenetic location: 12q13.12.
Variant type: single nucleotide variant.
Coding change: c.131T>C on transcript NM_000486.6 (MANE Select); coding-DNA position 131, T replaced by C.
Protein change: p.Ile44Thr; replaces isoleucine 44 with threonine.
Molecular consequence: missense variant.
Genome position (GRCh38, 1-based): chr12:49,950,961, T>C. VCF-style: chr12-49950961-T-C. GRCh37 (hg19) VCF-style: chr12-50344744-T-C.
Other names: short protein forms I44T.
Identifiers: ClinVar variation 3128128 (VCV003128128.2), dbSNP rs1248655050, ClinGen allele CA384771960.

ClinVar aggregate classification (germline): Uncertain significance (1 of 4 stars; one submission).

Conditions:
Inborn genetic diseases. Identifiers: MedGen C0950123, MeSH D030342.

Allele frequency attached by ClinVar (database versions not stated): gnomAD 0.00001; gnomAD exomes 0.00001; TOPMed below 0.00001.
gnomAD v4.1: 12 of 1,614,098 alleles (0.00074%); highest among the groups gnomAD compares: Admixed American, 0.0033%; no homozygotes.

Submission:

Ambry Genetics
Classification: Uncertain significance for Inborn genetic diseases. Last evaluated: 2026-08-18. Review status: criteria provided, single submitter. Criteria: Ambry Variant Classification Scheme 2023. Collection method: clinical testing. Allele origin: germline.
Comment: The c.131T>C (p.I44T) alteration is located in exon 1 (coding exon 1) of the AQP2 gene. This alteration results from a T to C substitution at nucleotide position 131, causing the isoleucine (I) at amino acid position 44 to be replaced by a threonine (T). Based on data from gnomAD, the C allele has an overall frequency of <0.001% (1/251438) total alleles studied. The highest observed frequency was 0.003% (1/34584) of Latino alleles. Based on insufficient or conflicting evidence, the clinical significance of this alteration remains unclear.